The following is an entry in ClinVar:

NM_000426.4(LAMA2):c.1027+1G>T

Gene: LAMA2 (laminin subunit alpha 2; plus strand). Cytogenetic location: 6q22.33.
Variant type: single nucleotide variant.
Coding change: c.1027+1G>T on transcript NM_000426.4 (MANE Select); the canonical splice donor site of the intron after coding-DNA position 1027, G replaced by T.
Molecular consequence: splice donor variant.
Genome position (GRCh38, 1-based): chr6:129,149,097, G>T. VCF-style: chr6-129149097-G-T. GRCh37 (hg19) VCF-style: chr6-129470242-G-T.
Other names: c.1027+1G>T (NM_001079823.2).
Identifiers: ClinVar variation 543868 (VCV000543868.8), dbSNP rs1064797327, ClinGen allele CA365606742.

ClinVar aggregate classification (germline): Pathogenic. Review status: criteria provided, single submitter (1 of 4 stars). 2 submissions from 2 submitters: Pathogenic (1). 1 of the submissions does not count toward it. Last evaluated 2022-11-15.

Conditions:
LAMA2-related muscular dystrophy (LAMA2-RD). Also called: Laminin alpha 2-related dystrophy. Identifiers: MedGen C5679788, MONDO:0100228.
Merosin deficient congenital muscular dystrophy (MDC1A). Also called: Congenital merosin-deficient muscular dystrophy 1A; Congenital Muscular Dystrophy Type 1A (MDC1A). Identifiers: Orphanet 258, MedGen C1263858, MONDO:0011925, OMIM 607855.

Submissions (2):

Labcorp Genetics (formerly Invitae), Labcorp
Classification: Pathogenic for LAMA2-related muscular dystrophy. Last evaluated: 2022-11-15. Review status: criteria provided, single submitter. Criteria: Invitae Variant Classification Sherloc (09022015). Collection method: clinical testing. Allele origin: germline.
Comment: For these reasons, this variant has been classified as Pathogenic. Algorithms developed to predict the effect of sequence changes on RNA splicing suggest that this variant may disrupt the consensus splice site. ClinVar contains an entry for this variant (Variation ID: 543868). Disruption of this splice site has been observed in individual(s) with clinical features of LAMA2-related muscular dystrophy (Invitae). In at least one individual the data is consistent with being in trans (on the opposite chromosome) from a pathogenic variant. This variant is not present in population databases (gnomAD no frequency). This sequence change affects a donor splice site in intron 7 of the LAMA2 gene. It is expected to disrupt RNA splicing. Variants that disrupt the donor or acceptor splice site typically lead to a loss of protein function (PMID: 16199547), and loss-of-function variants in LAMA2 are known to be pathogenic (PMID: 18700894, 32904964).

Counsyl
Classification: Likely pathogenic for Merosin deficient congenital muscular dystrophy. Last evaluated: 2017-11-26. Review status: no assertion criteria provided. Collection method: clinical testing. Allele origin: unknown. Not counted in ClinVar's aggregate classification.

Literature cited by the submitters: PubMed 16199547 (cited by Labcorp Genetics (formerly Invitae), Labcorp); PubMed 18700894 (cited by Labcorp Genetics (formerly Invitae), Labcorp); PubMed 32904964 (cited by Labcorp Genetics (formerly Invitae), Labcorp).